The following is an entry in ClinVar:

NM_002900.3(RBP3):c.2221G>C (p.Gly741Arg)

Gene: RBP3 (retinol binding protein 3; plus strand). Cytogenetic location: 10q11.22.
Variant type: single nucleotide variant.
Coding change: c.2221G>C on transcript NM_002900.3 (MANE Select); coding-DNA position 2221, G replaced by C.
Protein change: p.Gly741Arg; replaces glycine 741 with arginine.
Molecular consequence: missense variant.
Genome position (GRCh38, 1-based): chr10:47,350,705, G>C. VCF-style: chr10-47350705-G-C. GRCh37 (hg19) VCF-style: chr10-48388657-C-G.
Other names: short protein forms G741R.
Identifiers: ClinVar variation 1026977 (VCV001026977.7), dbSNP rs143110000, ClinGen allele CA5487332.
Genomic context (GRCh38, chr10:47,350,705, plus strand): 5'-CCCTCTCCAGAGGAGCTCACCTACCTTATTGAGGCCCTGTTCAAGACAGAGGTGCTGCCC[G>C]GCCAGCTGGGCTACCTGCGTTTTGACGCCATGGCTGAACTGGAGACAGTGAAGGCCGTGG-3'
Protein context (NP_002891.1, residues 731-751): EALFKTEVLP[Gly741Arg]QLGYLRFDAM

ClinVar aggregate classification (germline): Uncertain significance. Review status: criteria provided, multiple submitters, no conflicts (2 of 4 stars). 2 submissions from 2 submitters: Uncertain significance (2). Last evaluated 2025-04-17.

Allele frequency attached by ClinVar (database versions not stated): ESP Exome Variant Server 0.00023; TOPMed 0.00023; 1000 Genomes Project 30x 0.00031; 1000 Genomes Project 0.00040.
gnomAD v4.1: 55 of 1,613,058 alleles (0.0034%); highest among the groups gnomAD compares: African/African-American, 0.055%; no homozygotes.

Submissions (2):

Labcorp Genetics (formerly Invitae), Labcorp
Classification: Uncertain significance. Last evaluated: 2025-04-17. Review status: criteria provided, single submitter. Criteria: Invitae Variant Classification Sherloc (09022015). Collection method: clinical testing. Allele origin: germline.
Comment: This sequence change replaces glycine, which is neutral and non-polar, with arginine, which is basic and polar, at codon 741 of the RBP3 protein (p.Gly741Arg). This variant is present in population databases (rs143110000, gnomAD 0.05%). This variant has not been reported in the literature in individuals affected with RBP3-related conditions. ClinVar contains an entry for this variant (Variation ID: 1026977). An algorithm developed to predict the effect of missense changes on protein structure and function (PolyPhen-2) suggests that this variant is likely to be disruptive. In summary, the available evidence is currently insufficient to determine the role of this variant in disease. Therefore, it has been classified as a Variant of Uncertain Significance.

Blueprint Genetics
Classification: Uncertain significance. Last evaluated: 2022-06-03. Review status: criteria provided, single submitter. Criteria: ACMG Guidelines, 2015. Collection method: clinical testing. Allele origin: germline.